The following is an entry in ClinVar:

NM_000392.5(ABCC2):c.3415-1G>A

Gene: ABCC2 (ATP binding cassette subfamily C member 2; plus strand). Cytogenetic location: 10q24.2.
Variant type: single nucleotide variant.
Coding change: c.3415-1G>A on transcript NM_000392.5 (MANE Select); the canonical splice acceptor site of the intron before coding-DNA position 3415, G replaced by A.
Molecular consequence: splice acceptor variant.
Genome position (GRCh38, 1-based): chr10:99,836,090, G>A. VCF-style: chr10-99836090-G-A. GRCh37 (hg19) VCF-style: chr10-101595847-G-A.
Identifiers: ClinVar variation 2980795 (VCV002980795.4), dbSNP rs765064597, ClinGen allele CA5643804.

ClinVar aggregate classification (germline): Pathogenic/Likely pathogenic. Review status: criteria provided, multiple submitters, no conflicts (2 of 4 stars). 2 submissions from 2 submitters: Pathogenic (1); Likely pathogenic (1). Last evaluated 2025-09-03.

Conditions:
Dubin-Johnson syndrome (DJS). Also called: HYPERBILIRUBINEMIA, DUBIN-JOHNSON TYPE; Jaundice, Chronic Idiopathic; Hyperbilirubinemia type 2. Identifiers: Orphanet 234, MedGen C0022350, MONDO:0009380, OMIM 237500.

Allele frequency attached by ClinVar (database versions not stated): TOPMed 0.00001; gnomAD exomes 0.00001; ExAC 0.00002.
gnomAD v4.1: 5 of 1,613,234 alleles (0.00031%); highest among the groups gnomAD compares: Admixed American, 0.0083%; no homozygotes.

Submissions (2):

3billion
Classification: Pathogenic for Dubin-Johnson syndrome. Last evaluated: 2025-09-03. Review status: criteria provided, single submitter. Criteria: ACMG Guidelines, 2015. Collection method: clinical testing. Allele origin: germline. Affected: yes.
Comment: The variant is observed at an extremely low frequency in the gnomAD v4.1.0 dataset (total allele frequency: <0.001%). Predicted Consequence/Location: Canonical splice site: predicted to alter splicing and result in a loss or disruption of normal protein function. Multiple pathogenic loss-of-function variants are reported downstream of the variant. The variant has been reported to be associated with ABCC2-related disorder (ClinVar ID: VCV002980795). Therefore, this variant is classified as Pathogenic according to the recommendation of ACMG/AMP guideline.

Labcorp Genetics (formerly Invitae), Labcorp
Classification: Likely pathogenic. Last evaluated: 2024-01-03. Review status: criteria provided, single submitter. Criteria: Invitae Variant Classification Sherloc (09022015). Collection method: clinical testing. Allele origin: germline.
Comment: This sequence change affects an acceptor splice site in intron 24 of the ABCC2 gene. It is expected to disrupt RNA splicing. Variants that disrupt the donor or acceptor splice site typically lead to a loss of protein function (PMID: 16199547), and loss-of-function variants in ABCC2 are known to be pathogenic (PMID: 9185779, 16549534, 16952291). This variant is present in population databases (rs765064597, gnomAD 0.01%). This variant has not been reported in the literature in individuals affected with ABCC2-related conditions. Algorithms developed to predict the effect of sequence changes on RNA splicing suggest that this variant may disrupt the consensus splice site. In summary, the currently available evidence indicates that the variant is pathogenic, but additional data are needed to prove that conclusively. Therefore, this variant has been classified as Likely Pathogenic.

Literature cited by the submitters: PubMed 16199547 (cited by Labcorp Genetics (formerly Invitae), Labcorp); PubMed 9185779 (cited by Labcorp Genetics (formerly Invitae), Labcorp); PubMed 16549534 (cited by Labcorp Genetics (formerly Invitae), Labcorp); PubMed 16952291 (cited by Labcorp Genetics (formerly Invitae), Labcorp).